The following is an entry in ClinVar:

ClinVar aggregate classification (germline): Uncertain significance (1 of 4 stars; one submission).

Conditions:
Hereditary breast ovarian cancer syndrome. Also called: Hereditary breast and ovarian cancer syndrome (HBOC); Hereditary breast and ovarian cancer; Breast and ovarian cancer; Hereditary breast and/or ovarian cancer syndrome; BRCA1- and BRCA2-Associated Hereditary Breast and Ovarian Cancer; Hereditary breast and ovarian cancer syndrome. Identifiers: Orphanet 145, MedGen C0677776, MeSH D061325, MONDO:0003582. Disease mechanism: loss of function.

Submission:

Labcorp Genetics (formerly Invitae), Labcorp
Classification: Uncertain significance for Hereditary breast ovarian cancer syndrome. Last evaluated: 2025-05-21. Review status: criteria provided, single submitter. Criteria: Invitae Variant Classification Sherloc (09022015). Collection method: clinical testing. Allele origin: germline.
Comment: This sequence change replaces aspartic acid, which is acidic and polar, with valine, which is neutral and non-polar, at codon 1344 of the BRCA1 protein (p.Asp1344Val). This variant is not present in population databases (gnomAD no frequency). This variant has not been reported in the literature in individuals affected with BRCA1-related conditions. Invitae Evidence Modeling of protein sequence and biophysical properties (such as structural, functional, and spatial information, amino acid conservation, physicochemical variation, residue mobility, and thermodynamic stability) indicates that this missense variant is not expected to disrupt BRCA1 protein function with a negative predictive value of 95%. In summary, the available evidence is currently insufficient to determine the role of this variant in disease. Therefore, it has been classified as a Variant of Uncertain Significance.

NM_007294.4(BRCA1):c.4031A>T (p.Asp1344Val)

Genes: BRCA1 (BRCA1 DNA repair associated; minus strand), LOC126862571 (BRD4-independent group 4 enhancer GRCh37_chr17:41243136-41244335; plus strand). Cytogenetic location: 17q21.31.
Variant type: single nucleotide variant.
Coding change: c.4031A>T on transcript NM_007294.4 (MANE Select); coding-DNA position 4031, A replaced by T.
Protein change: p.Asp1344Val; replaces aspartic acid 1344 with valine.
Molecular consequence: missense variant. On other transcripts: intron variant (135).
Genome position (GRCh38, 1-based): chr17:43,091,500, T>A on the plus strand (A>T on the coding strand, the complement: BRCA1 is on the minus strand). VCF-style: chr17-43091500-T-A. GRCh37 (hg19) VCF-style: chr17-41243517-T-A.
Other names: c.584-468A>T (NM_001408475.1); c.710-468A>T (NM_001408412.1, NM_001408409.1, NM_001408414.1 and 2 more transcripts); c.452-468A>T (NM_001408509.1, NM_001408508.1); c.575-468A>T (NM_001408491.1, NM_001408493.1, NM_001408490.1); c.461-468A>T (NM_001408506.1, NM_001408507.1); c.578-468A>T (NM_001408481.1, NM_001408480.1, NM_001408492.1 and 9 more transcripts); c.779-468A>T (NM_001408408.1); c.662-468A>T (NM_001408446.1, NM_001408435.1, NM_001408448.1 and 6 more transcripts); and 41 more; short protein forms D1048V, D1176V, D1216V, D1217V, D1232V, D1233V, D1255V, D1256V.
Identifiers: ClinVar variation 4800831 (VCV004800831.1).